The following is an entry in ClinVar:

ClinVar aggregate classification (germline): Likely pathogenic (1 of 4 stars; one submission).

Conditions:
Dilated cardiomyopathy 1G (CMD1G). Identifiers: Orphanet 154, MedGen C1858763, MONDO:0011400, OMIM 604145.
Autosomal recessive limb-girdle muscular dystrophy type 2J (LGMDR10). Also called: Limb-girdle muscular dystrophy, type 2J; MUSCULAR DYSTROPHY, LIMB-GIRDLE, AUTOSOMAL RECESSIVE 10. Identifiers: Orphanet 140922, MedGen C1837342, MONDO:0012127, OMIM 608807.

Submission:

Labcorp Genetics (formerly Invitae), Labcorp
Classification: Likely pathogenic for Dilated cardiomyopathy 1G; Autosomal recessive limb-girdle muscular dystrophy type 2J. Last evaluated: 2023-08-16. Review status: criteria provided, single submitter. Criteria: Invitae Variant Classification Sherloc (09022015). Collection method: clinical testing. Allele origin: germline.
Comment: In summary, the currently available evidence indicates that the variant is pathogenic, but additional data are needed to prove that conclusively. Therefore, this variant has been classified as Likely Pathogenic. This variant is located in the A band of TTN (PMID: 25589632). Truncating variants in this region are significantly overrepresented in patients affected with dilated cardiomyopathy (PMID: 25589632). Truncating variants in this region have also been reported in individuals affected with autosomal recessive centronuclear myopathy (PMID: 23975875). This variant has not been reported in the literature in individuals affected with TTN-related conditions. This variant is not present in population databases (gnomAD no frequency). This sequence change creates a premature translational stop signal (p.Leu30840*) in the TTN gene. While this is not anticipated to result in nonsense mediated decay, it is expected to create a truncated TTN protein.

Literature cited by the submitters: PubMed 25589632; PubMed 23975875.

NM_001267550.2(TTN):c.92519T>G (p.Leu30840Ter)

Genes: TTN-AS1 (TTN antisense RNA 1; plus strand), TTN (titin; minus strand). Cytogenetic location: 2q31.2.
Variant type: single nucleotide variant.
Coding change: c.92519T>G on transcript NM_001267550.2 (MANE Select); coding-DNA position 92519, T replaced by G.
Protein change: p.Leu30840Ter; replaces leucine 30840 with a stop codon.
Molecular consequence: nonsense.
Genome position (GRCh38, 1-based): chr2:178,549,107, A>C on the plus strand (T>G on the coding strand, the complement: TTN is on the minus strand). VCF-style: chr2-178549107-A-C. GRCh37 (hg19) VCF-style: chr2-179413834-A-C.
Other names: c.87596T>G, p.Leu29199Ter (NM_001256850.1); c.65324T>G, p.Leu21775Ter (NM_003319.4); c.84815T>G, p.Leu28272Ter (NM_133378.4); c.65699T>G, p.Leu21900Ter (NM_133432.3); c.65900T>G, p.Leu21967Ter (NM_133437.4); short protein forms L21967*, L28272*, L30840*, L21775*, L21900*, L29199*.
Identifiers: ClinVar variation 2951023 (VCV002951023.3), dbSNP rs1466809738, ClinGen allele CA349492972.